The following is an entry in ClinVar:

ClinVar aggregate classification (germline): Uncertain significance. Review status: criteria provided, multiple submitters, no conflicts (2 of 4 stars). 2 submissions from 2 submitters: Uncertain significance (2). Last evaluated 2023-06-22.

Submissions (2):

Blueprint Genetics
Classification: Uncertain significance. Last evaluated: 2023-06-22. Review status: criteria provided, single submitter. Criteria: ACMG Guidelines, 2015. Collection method: clinical testing. Allele origin: germline.

Labcorp Genetics (formerly Invitae), Labcorp
Classification: Uncertain significance. Last evaluated: 2022-03-18. Review status: criteria provided, single submitter. Criteria: Invitae Variant Classification Sherloc (09022015). Collection method: clinical testing. Allele origin: germline.
Comment: This sequence change replaces glycine, which is neutral and non-polar, with arginine, which is basic and polar, at codon 1744 of the RP1 protein (p.Gly1744Arg). In summary, the available evidence is currently insufficient to determine the role of this variant in disease. Therefore, it has been classified as a Variant of Uncertain Significance. Algorithms developed to predict the effect of missense changes on protein structure and function are either unavailable or do not agree on the potential impact of this missense change (SIFT: "Deleterious"; PolyPhen-2: "Probably Damaging"; Align-GVGD: "Class C0"). This variant has not been reported in the literature in individuals affected with RP1-related conditions. This variant is not present in population databases (gnomAD no frequency).

NM_006269.2(RP1):c.5230G>C (p.Gly1744Arg)

Genes: RP1 (RP1 axonemal microtubule associated; plus strand), LOC126860392 (CDK7 strongly-dependent group 2 enhancer GRCh37_chr8:55541319-55542518; plus strand). Cytogenetic location: 8q12.1.
Variant type: single nucleotide variant.
Coding change: c.5230G>C on transcript NM_006269.2 (MANE Select); coding-DNA position 5230, G replaced by C.
Protein change: p.Gly1744Arg; replaces glycine 1744 with arginine.
Molecular consequence: missense variant. On other transcripts: intron variant (1).
Genome position (GRCh38, 1-based): chr8:54,629,112, G>C. VCF-style: chr8-54629112-G-C. GRCh37 (hg19) VCF-style: chr8-55541672-G-C.
Other names: c.787+6824G>C (NM_001375654.1); short protein forms G1744R.
Identifiers: ClinVar variation 1948815 (VCV001948815.6), dbSNP rs2536588313, ClinGen allele CA370985169.